The following is an entry in ClinVar:

ClinVar aggregate classification (germline): Uncertain significance (1 of 4 stars; one submission).

Conditions:
ACTH-independent macronodular adrenal hyperplasia 2. Also called: PRIMARY MACRONODULAR ADRENAL HYPERPLASIA. Identifiers: Orphanet 189427, MedGen C4014803, MONDO:0014416, OMIM 615954.

Submission:

Laboratorio de Genetica e Diagnostico Molecular, Hospital Israelita Albert Einstein
Classification: Uncertain significance for ACTH-independent macronodular adrenal hyperplasia 2. Last evaluated: 2025-02-20. Review status: criteria provided, single submitter. Criteria: ACMG Guidelines, 2015. Collection method: clinical testing. Allele origin: germline. Affected: yes.
Comment: ACMG classification criteria: PM2 supporting, BP4 supporting

NM_001105247.2(ARMC5):c.1998-6C>T

Gene: ARMC5 (armadillo repeat containing 5; plus strand). Cytogenetic location: 16p11.2.
Variant type: single nucleotide variant.
Coding change: c.1998-6C>T on transcript NM_001105247.2 (MANE Select); 6 bases into the intron before coding-DNA position 1998, C replaced by T.
Molecular consequence: intron variant. On other transcripts: 3 prime UTR variant (1).
Genome position (GRCh38, 1-based): chr16:31,466,073, C>T. VCF-style: chr16-31466073-C-T. GRCh37 (hg19) VCF-style: chr16-31477394-C-T.
Other names: c.*872C>T (NM_024742.2); c.2283-6C>T (NM_001288767.2); c.2094-6C>T (NM_001301820.1).
Identifiers: ClinVar variation 3900991 (VCV003900991.1).
Genomic context (GRCh38, chr16:31,466,073, plus strand): 5'-GGGGGAGGAGTGCTGTGTTTCCCAGGCCCGTTGCCCACCTTTTGAAAGGCCCTCTCTTCC[C>T]TGTAGGAAGCCCTCTCTGTGGCGCCGGCTGCTTCTGGAGCAGGGTGGTCTCCGGCTCCTC-3'